The following is an entry in ClinVar:

NM_001042492.3(NF1):c.5645dup (p.Cys1882fs)

Gene: NF1 (neurofibromin 1; plus strand). Cytogenetic location: 17q11.2.
Variant type: Duplication.
Coding change: c.5645dup on transcript NM_001042492.3 (MANE Select); coding-DNA position 5645, one base duplicated (G; older notation c.5645dupG).
Protein change: p.Cys1882fs; shifts the reading frame from cysteine 1882.
Molecular consequence: frameshift variant.
Genome position (GRCh38, 1-based): chr17:31,330,331, G duplicated. VCF-style (leftmost placement, unchanged base first): chr17-31330330-T-TG. GRCh37 (hg19) VCF-style: chr17-29657348-T-TG.
Other names: c.5582dupG (NM_000267.3); c.5582dup, p.Cys1861Trpfs (NM_000267.4); short protein forms C1861fs, C1882fs.
Identifiers: ClinVar variation 581320 (VCV000581320.4), dbSNP rs1567613604, ClinGen allele CA891844399.

ClinVar aggregate classification (germline): Pathogenic (1 of 4 stars; one submission).

Conditions:
Neurofibromatosis, type 1 (NF1). Also called: Peripheral type neurofibromatosis; VON RECKLINGHAUSEN DISEASE; NEUROFIBROMATOSIS, TYPE I, SOMATIC; Neurofibromatosis, type I. Identifiers: Orphanet 636, MedGen C0027831, MONDO:0018975, OMIM 162200. Disease mechanism: loss of function.

Submission:

Labcorp Genetics (formerly Invitae), Labcorp
Classification: Pathogenic for Neurofibromatosis, type 1. Last evaluated: 2018-05-02. Review status: criteria provided, single submitter. Criteria: Invitae Variant Classification Sherloc (09022015). Collection method: clinical testing. Allele origin: germline.
Comment: Loss-of-function variants in NF1 are known to be pathogenic (PMID: 10712197, 23913538). For these reasons, this variant has been classified as Pathogenic. This variant has not been reported in the literature in individuals with NF1-related disease. This variant is not present in population databases (ExAC no frequency). This sequence change creates a premature translational stop signal (p.Cys1861Trpfs*4) in the NF1 gene. It is expected to result in an absent or disrupted protein product.

Literature cited by the submitters: PubMed 10712197; PubMed 23913538.